The following is an entry in ClinVar:

NM_004371.4(COPA):c.1540T>C (p.Cys514Arg)

Gene: COPA (coat protein complex I subunit alpha; minus strand). Cytogenetic location: 1q23.2.
Variant type: single nucleotide variant.
Coding change: c.1540T>C on transcript NM_004371.4 (MANE Select); coding-DNA position 1540, T replaced by C.
Protein change: p.Cys514Arg; replaces cysteine 514 with arginine.
Molecular consequence: missense variant.
Genome position (GRCh38, 1-based): chr1:160,305,560, A>G on the plus strand (T>C on the coding strand, the complement: COPA is on the minus strand). VCF-style: chr1-160305560-A-G. GRCh37 (hg19) VCF-style: chr1-160275350-A-G.
Other names: c.1567T>C, p.Cys523Arg (NM_001098398.2); short protein forms C514R, C523R.
Identifiers: ClinVar variation 4742376 (VCV004742376.1).

ClinVar aggregate classification (germline): Uncertain significance (1 of 4 stars; one submission).

Conditions:
Autoimmune interstitial lung disease-arthritis syndrome. Also called: Autoinflammation and autoimmunity, systemic, with immune dysregulation. Identifiers: Orphanet 444092, MedGen C5975714, MONDO:0014629.

Submission:

Labcorp Genetics (formerly Invitae), Labcorp
Classification: Uncertain significance for Autoimmune interstitial lung disease-arthritis syndrome. Last evaluated: 2026-01-11. Review status: criteria provided, single submitter. Criteria: Invitae Variant Classification Sherloc (09022015). Collection method: clinical testing. Allele origin: germline.
Comment: This sequence change replaces cysteine, which is neutral and slightly polar, with arginine, which is basic and polar, at codon 514 of the COPA protein (p.Cys514Arg). This variant is not present in population databases (gnomAD no frequency). This variant has not been reported in the literature in individuals affected with COPA-related conditions. Invitae Evidence Modeling of protein sequence and biophysical properties (such as structural, functional, and spatial information, amino acid conservation, physicochemical variation, residue mobility, and thermodynamic stability) indicates that this missense variant is expected to disrupt COPA protein function with a positive predictive value of 80%. In summary, the available evidence is currently insufficient to determine the role of this variant in disease. Therefore, it has been classified as a Variant of Uncertain Significance.